The following is an entry in ClinVar:

NM_001367624.2(ZNF469):c.10972G>C (p.Glu3658Gln)

Gene: ZNF469 (zinc finger protein 469; plus strand). Cytogenetic location: 16q24.2.
Variant type: single nucleotide variant.
Coding change: c.10972G>C on transcript NM_001367624.2 (MANE Select); coding-DNA position 10972, G replaced by C.
Protein change: p.Glu3658Gln; replaces glutamic acid 3658 with glutamine.
Molecular consequence: missense variant.
Genome position (GRCh38, 1-based): chr16:88,438,442, G>C. VCF-style: chr16-88438442-G-C. GRCh37 (hg19) VCF-style: chr16-88504850-G-C.
Other names: NM_001127464.1:c.10888G>C; p.Glu3658Gln; short protein forms E3658Q.
Identifiers: ClinVar variation 321020 (VCV000321020.21), dbSNP rs1105066, ClinGen allele CA8225566.
Genomic context (GRCh38, chr16:88,438,442, plus strand): 5'-TTCCAGGAAGACCACCTACTTCAGAAAGAGAAGGAGGTGTCCTCAAGCCACATGGTGTCT[G>C]AGGGGGGGCCCCGAGGCGCCTTCCACAAGGGCAGCGCCACCAAGCCTGCGGGCTGCCAGA-3'
Protein context (NP_001354553.1, residues 3648-3668): KEVSSSHMVS[Glu3658Gln]GGPRGAFHKG

ClinVar aggregate classification (germline): Benign/Likely benign. Review status: criteria provided, multiple submitters, no conflicts (2 of 4 stars). 10 submissions from 10 submitters: Benign (7); Likely benign (1). 2 of the submissions do not count toward it. Last evaluated 2026-02-04.

Conditions:
Brittle cornea syndrome 1 (BCS1). Also called: DYSGENESIS MESODERMALIS CORNEAE ET SCLERAE; CORNEAL FRAGILITY, KERATOGLOBUS, BLUE SCLERAE, JOINT HYPEREXTENSIBILITY; EDS6B; FRAGILITAS OCULI WITH JOINT HYPEREXTENSIBILITY; Corneal fragility keratoglobus, blue sclerae AND joint hypermobility. Identifiers: Orphanet 90354, MedGen C0268344, MONDO:0024543, OMIM 229200.
Cardiovascular phenotype. Identifiers: MedGen CN230736.

Allele frequency attached by ClinVar (database versions not stated): ExAC 0.32548; gnomAD exomes 0.37265; 1000 Genomes Project 0.39097; 1000 Genomes Project 30x 0.39397; TOPMed 0.42901; gnomAD 0.43538 and 0.44478; ESP Exome Variant Server 0.45093.
gnomAD v4.1: 637,912 of 1,549,886 alleles (41%); highest among the groups gnomAD compares: African/African-American, 53%; 134,381 homozygotes.

Submissions (10):

Labcorp Genetics (formerly Invitae), Labcorp
Classification: Benign. Last evaluated: 2026-02-04. Review status: criteria provided, single submitter. Criteria: Invitae Variant Classification Sherloc (09022015). Collection method: clinical testing. Allele origin: germline.

Women's Health and Genetics/Laboratory Corporation of America, LabCorp
Classification: Likely benign. Last evaluated: 2026-01-21. Review status: criteria provided, single submitter. Criteria: LabCorp Variant Classification Summary - May 2015. Collection method: clinical testing. Allele origin: germline.

Blueprint Genetics
Classification: Benign. Last evaluated: 2024-11-27. Review status: criteria provided, single submitter. Criteria: ACMG Guidelines, 2015. Collection method: clinical testing. Allele origin: germline.

Mayo Clinic Laboratories, Mayo Clinic
Classification: Benign. Last evaluated: 2022-04-26. Review status: criteria provided, single submitter. Criteria: ACMG Guidelines, 2015. Collection method: clinical testing. Allele origin: germline. Observed: 2,083 variant alleles.

Genome-Nilou Lab
Classification: Benign for Brittle cornea syndrome 1. Last evaluated: 2021-12-05. Review status: criteria provided, single submitter. Criteria: ACMG Guidelines, 2015. Collection method: clinical testing. Allele origin: germline. Affected: no.

Ambry Genetics
Classification: Benign for Cardiovascular phenotype. Last evaluated: 2018-12-04. Review status: criteria provided, single submitter. Criteria: Ambry Variant Classification Scheme 2023. Collection method: clinical testing. Allele origin: germline.

GeneDx
Classification: Benign. Last evaluated: 2016-09-29. Review status: criteria provided, single submitter. Criteria: GeneDx Variant Classification (06012015). Collection method: clinical testing. Allele origin: germline. Affected: yes.
Comment: This variant is considered likely benign or benign based on one or more of the following criteria: it is a conservative change, it occurs at a poorly conserved position in the protein, it is predicted to be benign by multiple in silico algorithms, and/or has population frequency not consistent with disease.

Breakthrough Genomics
Classification: Benign. Review status: criteria provided, single submitter. Criteria: ACMG Guidelines, 2015. Collection method: not provided. Allele origin: germline. Inheritance: Autosomal recessive inheritance. Affected: yes.

Genome Diagnostics Laboratory, Amsterdam University Medical Center
Classification: Benign for Brittle cornea syndrome 1. Last evaluated: 2016-01-15. Review status: no assertion criteria provided. Criteria: ACGS Guidelines, 2013. Collection method: clinical testing. Allele origin: germline. Affected: yes. Study: VKGL Data-share Consensus. Not counted in ClinVar's aggregate classification.

Diagnostic Laboratory, Department of Genetics, University Medical Center Groningen
Classification: Benign for Brittle cornea syndrome 1. Review status: no assertion criteria provided. Collection method: clinical testing. Allele origin: germline. Affected: yes. Study: VKGL Data-share Consensus. Not counted in ClinVar's aggregate classification.